The following is an entry in ClinVar:

ClinVar aggregate classification (germline): Uncertain significance. Review status: criteria provided, multiple submitters, no conflicts (2 of 4 stars). 8 submissions from 7 submitters: Uncertain significance (7). 1 of the submissions does not count toward it. Last evaluated 2026-03-14.

Conditions:
TTC8-related disorder. Also called: TTC8-related condition.
Retinal dystrophy. Also called: Inherited retinal dystrophy. Identifiers: Orphanet 71862, MedGen C0854723, MeSH D058499, MONDO:0019118, HP:0000556.
Bardet-Biedl syndrome (BBS). Identifiers: Orphanet 110, MedGen C0752166, MONDO:0015229.
Retinitis pigmentosa (RP). Identifiers: Orphanet 791, MedGen C0035334, MeSH D012174, MONDO:0019200, OMIM 268000. Inheritance: Autosomal dominant, autosomal recessive and X linked inheritance.
Bardet-Biedl syndrome 8 (BBS8). Identifiers: Orphanet 110, MedGen C1859566, MONDO:0014436, OMIM 615985.
Inborn genetic diseases. Identifiers: MedGen C0950123, MeSH D030342.

Allele frequency attached by ClinVar (database versions not stated): gnomAD 0.00002 and 0.00003; TOPMed 0.00004; ExAC 0.00005; gnomAD exomes 0.00005; 1000 Genomes Project 30x 0.00016; 1000 Genomes Project 0.00020.
gnomAD v4.1: 75 of 1,614,018 alleles (0.0046%); highest among the groups gnomAD compares: Non-Finnish European, 0.0052%; no homozygotes.

Submissions (8):

PreventionGenetics, part of Exact Sciences
Classification: Uncertain significance for TTC8-related condition. Last evaluated: 2026-03-14. Review status: criteria provided, single submitter. Criteria: ACMG Guidelines, 2015. Collection method: clinical testing. Allele origin: germline.
Comment: The TTC8 c.1042T>C variant is predicted to result in the amino acid substitution p.Phe348Leu. To our knowledge, this variant has not been reported in the literature. This variant is reported in 0.024% of alleles in individuals of European (Finnish) descent in gnomAD. At this time, the clinical significance of this variant is uncertain due to the absence of conclusive functional and genetic evidence.

Labcorp Genetics (formerly Invitae), Labcorp
Classification: Uncertain significance for Bardet-Biedl syndrome. Last evaluated: 2022-08-23. Review status: criteria provided, single submitter. Criteria: Invitae Variant Classification Sherloc (09022015). Collection method: clinical testing. Allele origin: germline.
Comment: This sequence change replaces phenylalanine, which is neutral and non-polar, with leucine, which is neutral and non-polar, at codon 338 of the TTC8 protein (p.Phe338Leu). This variant is present in population databases (rs200086953, gnomAD 0.02%). This variant has not been reported in the literature in individuals affected with TTC8-related conditions. ClinVar contains an entry for this variant (Variation ID: 884952). Algorithms developed to predict the effect of missense changes on protein structure and function are either unavailable or do not agree on the potential impact of this missense change (SIFT: "Deleterious"; PolyPhen-2: "Benign"; Align-GVGD: "Class C0"). In summary, the available evidence is currently insufficient to determine the role of this variant in disease. Therefore, it has been classified as a Variant of Uncertain Significance.

New York Genome Center
Classification: Uncertain significance for Bardet-Biedl syndrome 8. Last evaluated: 2022-03-09. Review status: criteria provided, single submitter. Criteria: NYGC Assertion Criteria 2020. Collection method: clinical testing. Allele origin: germline. Observed: 1 heterozygote.

Ambry Genetics
Classification: Uncertain significance for Inborn genetic diseases. Last evaluated: 2021-12-14. Review status: criteria provided, single submitter. Criteria: Ambry Variant Classification Scheme 2023. Collection method: clinical testing. Allele origin: germline.

Blueprint Genetics
Classification: Uncertain significance. Last evaluated: 2019-10-31. Review status: criteria provided, single submitter. Criteria: ACMG Guidelines, 2015. Collection method: clinical testing. Allele origin: germline.

Illumina Laboratory Services, Illumina
Classification: Uncertain significance for Bardet-Biedl syndrome 8. Last evaluated: 2018-01-13. Review status: criteria provided, single submitter. Criteria: ICSL Variant Classification Criteria 13 December 2019. Collection method: clinical testing. Allele origin: germline.

Illumina Laboratory Services, Illumina
Classification: Uncertain significance for Retinitis pigmentosa. Last evaluated: 2018-01-13. Review status: criteria provided, single submitter. Criteria: ICSL Variant Classification Criteria 13 December 2019. Collection method: clinical testing. Allele origin: germline.

Institute of Human Genetics, Univ. Regensburg, Univ. Regensburg
Classification: Uncertain significance for Retinal dystrophy. Last evaluated: 2023-01-01. Review status: no assertion criteria provided. Criteria: ACMG Guidelines, 2015. Collection method: clinical testing. Allele origin: germline. Affected: yes. Not counted in ClinVar's aggregate classification.

NM_144596.4(TTC8):c.1042T>C (p.Phe348Leu)

Gene: TTC8 (tetratricopeptide repeat domain 8; plus strand). Cytogenetic location: 14q31.3.
Variant type: single nucleotide variant.
Coding change: c.1042T>C on transcript NM_144596.4 (MANE Select); coding-DNA position 1042, T replaced by C.
Protein change: p.Phe348Leu; replaces phenylalanine 348 with leucine.
Molecular consequence: missense variant. On other transcripts: non-coding transcript variant (1).
Genome position (GRCh38, 1-based): chr14:88,870,191, T>C. VCF-style: chr14-88870191-T-C. GRCh37 (hg19) VCF-style: chr14-89336535-T-C.
Other names: c.1090T>C, p.Phe364Leu (NM_001288781.1); c.448T>C, p.Phe150Leu (NM_001288782.1); c.325T>C, p.Phe109Leu (NM_001288783.1); c.1012T>C, p.Phe338Leu (NM_001366535.2, NM_198309.3); c.922T>C, p.Phe308Leu (NM_001366536.2, NM_198310.3); c.1042T>C (NM_144596.3); short protein forms F150L, F364L, F308L, F338L, F109L, F348L.
Identifiers: ClinVar variation 884952 (VCV000884952.16), dbSNP rs200086953, ClinGen allele CA7302654.